The following is an entry in ClinVar:

ClinVar aggregate classification (germline): Uncertain significance (1 of 4 stars; one submission).

Conditions:
Bloom syndrome (BLM). Also called: Bloom-Torre-Machacek syndrome. Identifiers: Orphanet 125, MedGen C0005859, MONDO:0008876, OMIM 210900.

Submission:

Labcorp Genetics (formerly Invitae), Labcorp
Classification: Uncertain significance for Bloom syndrome. Last evaluated: 2018-08-15. Review status: criteria provided, single submitter. Criteria: Invitae Variant Classification Sherloc (09022015). Collection method: clinical testing. Allele origin: germline.
Comment: This variant results in a copy number gain of the genomic region encompassing the full coding sequence of the BLM gene. The boundaries of this event are unknown as they extend beyond the assayed region for this gene and therefore may encompass additional genes. As the precise location of this event is unknown, it may be in tandem or it may be located elsewhere in the genome. Similar copy number gains have not been reported in the literature in individuals with BLM-related disease. In summary, the available evidence is currently insufficient to determine the role of this variant in disease. Therefore, it has been classified as a Variant of Uncertain Significance.

NC_000015.9:g.(?_91290613)_(91298178_?)dup

Gene: BLM (BLM RecQ like helicase; plus strand). Cytogenetic location: 15q26.1.
Variant type: Duplication.
Identifiers: ClinVar variation 645869 (VCV000645869.2).